The following is an entry in ClinVar:

NC_000007.13:g.(?_158662526)_(158727260_?)dup

Gene: DYNC2I1 (dynein 2 intermediate chain 1; plus strand). Cytogenetic location: 7q36.3.
Variant type: Duplication.
Identifiers: ClinVar variation 1680623 (VCV001680623.5).

ClinVar aggregate classification (germline): Uncertain significance (1 of 4 stars; one submission).

Conditions:
Short-rib thoracic dysplasia 8 with or without polydactyly (SRTD8). Also called: SHORT-RIB THORACIC DYSPLASIA 8 WITH POLYDACTYLY. Identifiers: Orphanet 93271, MedGen C3809691, MONDO:0014214, OMIM 615503.

Submission:

Labcorp Genetics (formerly Invitae), Labcorp
Classification: Uncertain significance for Short-rib thoracic dysplasia 8 with or without polydactyly. Last evaluated: 2022-07-06. Review status: criteria provided, single submitter. Criteria: Invitae Variant Classification Sherloc (09022015). Collection method: clinical testing. Allele origin: germline.
Comment: In summary, the available evidence is currently insufficient to determine the role of this variant in disease. Therefore, it has been classified as a Variant of Uncertain Significance. Experimental studies and prediction algorithms are not available or were not evaluated, and the functional significance of this variant is currently unknown. This variant has not been reported in the literature in individuals affected with WDR60-related conditions. This variant results in a copy number gain of the genomic region encompassing exon(s) 2-23 of the WDR60 gene. While the exact position of this variant cannot be determined from the data, sub-genic copy number gains are generally in tandem (PMID: 25640679). This variant is predicted to be in-frame, and likely preserves the integrity of the reading frame.

Literature cited by the submitters: PubMed 25640679.